The following is an entry in ClinVar:

ClinVar aggregate classification (germline): Conflicting classifications of pathogenicity. Review status: criteria provided, conflicting classifications (1 of 4 stars). 3 submissions from 3 submitters: Likely pathogenic (1); Uncertain significance (1); Likely benign (1). Last evaluated 2025-09-03.

Conditions:
Cardiomyopathy (CMYO). Also called: Cardiomyopathies. Identifiers: Orphanet 167848, MedGen C0878544, MONDO:0004994, HP:0001638. Inheritance: Various modes of inheritance.
Hypertrophic cardiomyopathy 1 (CMH1). Also called: MYH7-Related Familial Hypertrophic Cardiomyopathy; Familial hypertrophic cardiomyopathy 1. Identifiers: MedGen C3495498, MONDO:0008647, OMIM 192600.

Allele frequency attached by ClinVar (database versions not stated): TOPMed 0.00004; gnomAD 0.00005 and 0.00006; gnomAD exomes 0.00006 and 0.00003; ExAC 0.00003.
gnomAD v4.1: 49 of 1,614,020 alleles (0.003%); highest among the groups gnomAD compares: Admixed American, 0.0017%; no homozygotes.

Submissions (3):

Labcorp Genetics (formerly Invitae), Labcorp
Classification: Uncertain significance for Hypertrophic cardiomyopathy 1. Last evaluated: 2025-09-03. Review status: criteria provided, single submitter. Criteria: Invitae Variant Classification Sherloc (09022015). Collection method: clinical testing. Allele origin: germline.
Comment: This sequence change replaces isoleucine, which is neutral and non-polar, with valine, which is neutral and non-polar, at codon 199 of the MYLK2 protein (p.Ile199Val). This variant is present in population databases (rs193922712, gnomAD 0.1%), and has an allele count higher than expected for a pathogenic variant. This missense change has been observed in individual(s) with sudden unexplained death (PMID: 29247119). ClinVar contains an entry for this variant (Variation ID: 36653). Invitae Evidence Modeling of protein sequence and biophysical properties (such as structural, functional, and spatial information, amino acid conservation, physicochemical variation, residue mobility, and thermodynamic stability) indicates that this missense variant is not expected to disrupt MYLK2 protein function with a negative predictive value of 80%. In summary, the available evidence is currently insufficient to determine the role of this variant in disease. Therefore, it has been classified as a Variant of Uncertain Significance.

GeneDx
Classification: Likely benign. Last evaluated: 2015-03-03. Review status: criteria provided, single submitter. Criteria: GeneDx Variant Classification Process June 2021. Collection method: clinical testing. Allele origin: germline. Affected: yes.
Comment: See Variant Classification Assertion Criteria.

Women's Health and Genetics/Laboratory Corporation of America, LabCorp
Classification: Likely pathogenic for Cardiomyopathy. Last evaluated: 2011-08-18. Review status: criteria provided, single submitter. Criteria: LabCorp Variant Classification Summary - May 2015. Collection method: curation. Allele origin: germline. Inheritance: autosomal unknown. Affected: yes.
ClinVar note: Converted during submission from likely pathogenic to Likely pathogenic.

Literature cited by the submitters: PubMed 29247119 (cited by Labcorp Genetics (formerly Invitae), Labcorp).

NM_033118.4(MYLK2):c.595A>G (p.Ile199Val)

Gene: MYLK2 (myosin light chain kinase 2; plus strand). Cytogenetic location: 20q11.21.
Variant type: single nucleotide variant.
Coding change: c.595A>G on transcript NM_033118.4 (MANE Select); coding-DNA position 595, A replaced by G.
Protein change: p.Ile199Val; replaces isoleucine 199 with valine.
Molecular consequence: missense variant.
Genome position (GRCh38, 1-based): chr20:31,821,560, A>G. VCF-style: chr20-31821560-A-G. GRCh37 (hg19) VCF-style: chr20-30409363-A-G.
Other names: short protein forms I199V.
Identifiers: ClinVar variation 36653 (VCV000036653.11), dbSNP rs193922712, ClinGen allele CA325772.